The following is an entry in ClinVar:

ClinVar aggregate classification (germline): Uncertain significance (1 of 4 stars; one submission).

gnomAD v4.1: 7 of 1,614,202 alleles (0.00043%); highest among the groups gnomAD compares: Non-Finnish European, 0.00059%; no homozygotes.

Submission:

GeneDx
Classification: Uncertain significance. Last evaluated: 2023-07-17. Review status: criteria provided, single submitter. Criteria: GeneDx Variant Classification Process June 2021. Collection method: clinical testing. Allele origin: germline. Affected: yes.
Comment: Not observed at significant frequency in large population cohorts (gnomAD); In silico analysis supports that this missense variant has a deleterious effect on protein structure/function; Has not been previously published as pathogenic or benign to our knowledge

NM_012309.5(SHANK2):c.2002G>A (p.Val668Met)

Gene: SHANK2 (SH3 and multiple ankyrin repeat domains 2; minus strand). Cytogenetic location: 11q13.4.
Variant type: single nucleotide variant.
Coding change: c.2002G>A on transcript NM_012309.5 (MANE Select); coding-DNA position 2002, G replaced by A.
Protein change: p.Val668Met; replaces valine 668 with methionine.
Molecular consequence: missense variant. On other transcripts: non-coding transcript variant (1).
Genome position (GRCh38, 1-based): chr11:70,659,887, C>T on the plus strand (G>A on the coding strand, the complement: SHANK2 is on the minus strand). VCF-style: chr11-70659887-C-T. GRCh37 (hg19) VCF-style: chr11-70505992-C-T.
Other names: c.865G>A, p.Val289Met (NM_001379226.1); c.238G>A, p.Val80Met (NM_133266.5); short protein forms V289M, V668M, V80M.
Identifiers: ClinVar variation 3361171 (VCV003361171.1).
Genomic context (GRCh38, chr11:70,659,887, plus strand): 5'-CCTCAATCAAGAAGTCCCCGGTCCTTAGTCCGGCTTGCCACGCCACCCCACCTTCATCCA[C>T]GGACTCCAGGTACTGTAGGGCTGGGAAAGCCGGTGTTGGTGTGAATTCTTCAATGGGTGT-3'
Protein context (NP_036441.2, residues 658-678): AFPALQYLES[Val668Met]DEGGVAWQAG